The following is an entry in ClinVar:

NM_002840.5(PTPRF):c.1684G>A (p.Asp562Asn)

Gene: PTPRF (protein tyrosine phosphatase receptor type F; plus strand). Cytogenetic location: 1p34.2.
Variant type: single nucleotide variant.
Coding change: c.1684G>A on transcript NM_002840.5 (MANE Select); coding-DNA position 1684, G replaced by A.
Protein change: p.Asp562Asn; replaces aspartic acid 562 with asparagine.
Molecular consequence: missense variant.
Genome position (GRCh38, 1-based): chr1:43,592,472, G>A. VCF-style: chr1-43592472-G-A. GRCh37 (hg19) VCF-style: chr1-44058143-G-A.
Other names: c.1702G>A, p.Asp568Asn (NM_001329137.2); c.1714G>A, p.Asp572Asn (NM_001329138.2); c.1684G>A, p.Asp562Asn (NM_001329139.2, NM_001329140.2, NM_130440.4); short protein forms D562N, D568N, D572N.
Identifiers: ClinVar variation 3033302 (VCV003033302.2), dbSNP rs3748800, ClinGen allele CA812222.

ClinVar aggregate classification (germline): Benign (0 of 4 stars; one submission).

Conditions:
PTPRF-related disorder. Also called: PTPRF-related condition.

Allele frequency attached by ClinVar (database versions not stated): ESP Exome Variant Server 0.00015; gnomAD 0.00063; gnomAD exomes 0.00070; TOPMed 0.00081; ExAC 0.00132; 1000 Genomes Project 0.00319; 1000 Genomes Project 30x 0.00344.
gnomAD v4.1: 1,113 of 1,610,838 alleles (0.069%); highest among the groups gnomAD compares: East Asian, 2%; 12 homozygotes.

Submission:

PreventionGenetics, part of Exact Sciences
Classification: Benign for PTPRF-related condition. Last evaluated: 2019-06-17. Review status: no assertion criteria provided. Collection method: clinical testing. Allele origin: germline.
Comment: This variant is classified as benign based on ACMG/AMP sequence variant interpretation guidelines (Richards et al. 2015 PMID: 25741868, with internal and published modifications).